The following is an entry in ClinVar:

NM_004963.4(GUCY2C):c.508T>G (p.Phe170Val)

Genes: GUCY2C (guanylate cyclase 2C; minus strand), GUCY2C-AS1 (GUCY2C antisense RNA 1; plus strand). Cytogenetic location: 12p12.3.
Variant type: single nucleotide variant.
Coding change: c.508T>G on transcript NM_004963.4 (MANE Select); coding-DNA position 508, T replaced by G.
Protein change: p.Phe170Val; replaces phenylalanine 170 with valine.
Molecular consequence: missense variant.
Genome position (GRCh38, 1-based): chr12:14,683,145, A>C on the plus strand (T>G on the coding strand, the complement: GUCY2C is on the minus strand). VCF-style: chr12-14683145-A-C. GRCh37 (hg19) VCF-style: chr12-14836079-A-C.
Other names: short protein forms F170V.
Identifiers: ClinVar variation 2999940 (VCV002999940.3), dbSNP rs2497801649, ClinGen allele CA384006299.

ClinVar aggregate classification (germline): Uncertain significance (1 of 4 stars; one submission).

Submission:

Labcorp Genetics (formerly Invitae), Labcorp
Classification: Uncertain significance. Last evaluated: 2024-01-06. Review status: criteria provided, single submitter. Criteria: Invitae Variant Classification Sherloc (09022015). Collection method: clinical testing. Allele origin: germline.
Comment: This sequence change replaces phenylalanine, which is neutral and non-polar, with valine, which is neutral and non-polar, at codon 170 of the GUCY2C protein (p.Phe170Val). This variant is not present in population databases (gnomAD no frequency). This variant has not been reported in the literature in individuals affected with GUCY2C-related conditions. Advanced modeling of protein sequence and biophysical properties (such as structural, functional, and spatial information, amino acid conservation, physicochemical variation, residue mobility, and thermodynamic stability) performed at Invitae indicates that this missense variant is not expected to disrupt GUCY2C protein function with a negative predictive value of 80%. In summary, the available evidence is currently insufficient to determine the role of this variant in disease. Therefore, it has been classified as a Variant of Uncertain Significance.